The following is an entry in ClinVar:

NM_024649.5(BBS1):c.951+2T>C

Genes: BBS1 (Bardet-Biedl syndrome 1; plus strand), ZDHHC24 (zDHHC palmitoyltransferase 24; minus strand). Cytogenetic location: 11q13.2.
Variant type: single nucleotide variant.
Coding change: c.951+2T>C on transcript NM_024649.5 (MANE Select); the canonical splice donor site of the intron after coding-DNA position 951, T replaced by C.
Molecular consequence: splice donor variant. On other transcripts: intron variant (1).
Genome position (GRCh38, 1-based): chr11:66,523,578, T>C. VCF-style: chr11-66523578-T-C. GRCh37 (hg19) VCF-style: chr11-66291049-T-C.
Other names: c.*22-2112A>G (NM_001348571.2).
Identifiers: ClinVar variation 5003210 (VCV005003210.1).

ClinVar aggregate classification (germline): Pathogenic (1 of 4 stars; one submission).

Conditions:
Bardet-Biedl syndrome 1 (BBS1). Identifiers: MedGen C2936862, MONDO:0008854, OMIM 209900. Disease mechanism: loss of function.

gnomAD v4.1: 1 of 1,614,096 alleles (0.000062%); highest among the groups gnomAD compares: Non-Finnish European, 0.000085%; no homozygotes.

Submission:

Myriad Genetics, Inc.
Classification: Pathogenic for Bardet-Biedl syndrome 1. Last evaluated: 2026-01-21. Review status: criteria provided, single submitter. Criteria: Myriad Autosomal Dominant, Autosomal Recessive and X-Linked Classification Criteria (2023). Collection method: clinical testing. Allele origin: unknown.
Comment: NM_024649.4(BBS1):c.951+2T>C is a variant in a canonical splice site classified as pathogenic in the context of Bardet-Biedl syndrome, BBS1-related. c.951+2T>C has been observed in cases with relevant disease (PMID: 21344540). Relevant functional assessments of this variant are not available in the literature. c.951+2T>C has not been observed in referenced population frequency databases. In summary, NM_024649.4(BBS1):c.951+2T>C is a variant in a canonical splice site in a gene where loss of function is a known mechanism of disease, is predicted to disrupt protein function, and has been observed more frequently in cases with the relevant disease than in healthy populations. Please note: this variant was assessed in the context of healthy population screening.

Literature cited by the submitters: PubMed 21344540.